The following is an entry in ClinVar:

NM_000020.3(ACVRL1):c.681C>T (p.Ala227=)

Gene: ACVRL1 (activin A receptor like type 1; plus strand). Cytogenetic location: 12q13.13.
Variant type: single nucleotide variant.
Coding change: c.681C>T on transcript NM_000020.3 (MANE Select); coding-DNA position 681, C replaced by T.
Protein change: p.Ala227=; no amino-acid change (alanine 227 retained).
Molecular consequence: synonymous variant.
Genome position (GRCh38, 1-based): chr12:51,914,494, C>T. VCF-style: chr12-51914494-C-T. GRCh37 (hg19) VCF-style: chr12-52308278-C-T.
Other names: c.681C>T, p.Ala227= (NM_001077401.2).
Identifiers: ClinVar variation 883001 (VCV000883001.15), dbSNP rs147005473, ClinGen allele CA6572971.

ClinVar aggregate classification (germline): Benign/Likely benign. Review status: criteria provided, multiple submitters, no conflicts (2 of 4 stars). 4 submissions from 4 submitters: Benign (2); Likely benign (2). Last evaluated 2025-11-23.

Conditions:
Cardiovascular phenotype. Identifiers: MedGen CN230736.
Telangiectasia, hereditary hemorrhagic, type 2 (HHT2). Also called: ACVRL1-Related Hereditary Hemorrhagic Telangiectasia; Telangiectasia, hereditary hemorrhagic, type II. Identifiers: Orphanet 774, MedGen C1838163, MONDO:0010880, OMIM 600376. Disease mechanism: loss of function.

Allele frequency attached by ClinVar (database versions not stated): gnomAD exomes 0.00005 and 0.00011; ExAC 0.00009; ESP Exome Variant Server 0.00038; gnomAD 0.00038 and 0.00040; 1000 Genomes Project 0.00040; 1000 Genomes Project 30x 0.00047; TOPMed 0.00049.
gnomAD v4.1: 136 of 1,614,110 alleles (0.0084%); highest among the groups gnomAD compares: African/African-American, 0.11%; no homozygotes.

Submissions (4):

Labcorp Genetics (formerly Invitae), Labcorp
Classification: Benign for Telangiectasia, hereditary hemorrhagic, type 2. Last evaluated: 2025-11-23. Review status: criteria provided, single submitter. Criteria: Invitae Variant Classification Sherloc (09022015). Collection method: clinical testing. Allele origin: germline.

Ambry Genetics
Classification: Likely benign for Cardiovascular phenotype. Last evaluated: 2022-02-11. Review status: criteria provided, single submitter. Criteria: Ambry Variant Classification Scheme 2023. Collection method: clinical testing. Allele origin: germline.

Genome-Nilou Lab
Classification: Benign for Telangiectasia, hereditary hemorrhagic, type 2. Last evaluated: 2021-12-05. Review status: criteria provided, single submitter. Criteria: ACMG Guidelines, 2015. Collection method: clinical testing. Allele origin: germline. Affected: no.

Illumina Laboratory Services, Illumina
Classification: Likely benign for Telangiectasia, hereditary hemorrhagic, type 2. Last evaluated: 2017-04-28. Review status: criteria provided, single submitter. Criteria: ICSL Variant Classification Criteria 13 December 2019. Collection method: clinical testing. Allele origin: germline.
Comment: This variant was observed as part of a predisposition screen in an ostensibly healthy population. A literature search was performed for the gene, cDNA change, and amino acid change (where applicable). No publications were found based on this search. Allele frequency data from public databases allowed determination this variant is unlikely to cause disease. Therefore, this variant is classified as likely benign.